The following is an entry in ClinVar:

NM_001145809.2(MYH14):c.4024C>T (p.Arg1342Ter)

Gene: MYH14 (myosin heavy chain 14; plus strand). Cytogenetic location: 19q13.33.
Variant type: single nucleotide variant.
Coding change: c.4024C>T on transcript NM_001145809.2 (MANE Select); coding-DNA position 4024, C replaced by T.
Protein change: p.Arg1342Ter; replaces arginine 1342 with a stop codon.
Molecular consequence: nonsense.
Genome position (GRCh38, 1-based): chr19:50,278,281, C>T. VCF-style: chr19-50278281-C-T. GRCh37 (hg19) VCF-style: chr19-50781538-C-T.
Other names: c.3925C>T, p.Arg1309Ter (NM_001077186.2); c.3901C>T, p.Arg1301Ter (NM_024729.4); short protein forms R1342*, R1301*, R1309*.
Identifiers: ClinVar variation 3730924 (VCV003730924.1).

ClinVar aggregate classification (germline): Uncertain significance (1 of 4 stars; one submission).

Submission:

GeneDx
Classification: Uncertain significance. Last evaluated: 2024-08-12. Review status: criteria provided, single submitter. Criteria: GeneDx Variant Classification Process June 2021. Collection method: clinical testing. Allele origin: germline. Affected: yes.
Comment: Nonsense variant predicted to result in protein truncation or nonsense mediated decay in a gene for which loss of function is a known mechanism of disease; Has not been previously published as pathogenic or benign to our knowledge